The following is an entry in ClinVar:

ClinVar aggregate classification (germline): Conflicting classifications of pathogenicity. Review status: criteria provided, conflicting classifications (1 of 4 stars). 3 submissions from 3 submitters: Uncertain significance (2); Likely benign (1). Last evaluated 2025-10-24.

Allele frequency attached by ClinVar (database versions not stated): gnomAD below 0.00001 and 0.00003; TOPMed 0.00001; gnomAD exomes 0.00003 and 0.00007; ExAC 0.00007; 1000 Genomes Project 0.00040; 1000 Genomes Project 30x 0.00047.
gnomAD v4.1: 52 of 1,614,186 alleles (0.0032%); highest among the groups gnomAD compares: South Asian, 0.035%; no homozygotes.

Submissions (3):

Labcorp Genetics (formerly Invitae), Labcorp
Classification: Uncertain significance. Last evaluated: 2025-10-24. Review status: criteria provided, single submitter. Criteria: Invitae Variant Classification Sherloc (09022015). Collection method: clinical testing. Allele origin: germline.
Comment: This sequence change replaces glycine, which is neutral and non-polar, with aspartic acid, which is acidic and polar, at codon 465 of the A2ML1 protein (p.Gly465Asp). This variant is present in population databases (rs757576013, gnomAD 0.04%). This variant has not been reported in the literature in individuals affected with A2ML1-related conditions. ClinVar contains an entry for this variant (Variation ID: 664931). An algorithm developed to predict the effect of missense changes on protein structure and function (PolyPhen-2) suggests that this variant is likely to be tolerated. In summary, the available evidence is currently insufficient to determine the role of this variant in disease. Therefore, it has been classified as a Variant of Uncertain Significance.

Ambry Genetics
Classification: Uncertain significance. Last evaluated: 2025-08-13. Review status: criteria provided, single submitter. Criteria: Ambry Variant Classification Scheme 2023. Collection method: clinical testing. Allele origin: germline.

CeGaT Center for Human Genetics Tuebingen
Classification: Likely benign. Last evaluated: 2022-09-01. Review status: criteria provided, single submitter. Criteria: CeGaT Center For Human Genetics Tuebingen Variant Classification Criteria Version 2. Collection method: clinical testing. Allele origin: germline. Affected: yes. Observed: 1 variant allele.
Comment: A2ML1: BP4

NM_144670.6(A2ML1):c.1394G>A (p.Gly465Asp)

Gene: A2ML1 (alpha-2-macroglobulin like 1; plus strand). Cytogenetic location: 12p13.31.
Variant type: single nucleotide variant.
Coding change: c.1394G>A on transcript NM_144670.6 (MANE Select); coding-DNA position 1394, G replaced by A.
Protein change: p.Gly465Asp; replaces glycine 465 with aspartic acid.
Molecular consequence: missense variant.
Genome position (GRCh38, 1-based): chr12:8,843,279, G>A. VCF-style: chr12-8843279-G-A. GRCh37 (hg19) VCF-style: chr12-8995875-G-A.
Other names: short protein forms G465D.
Identifiers: ClinVar variation 664931 (VCV000664931.33), dbSNP rs757576013, ClinGen allele CA6435637.